The following is an entry in ClinVar:

ClinVar aggregate classification (germline): Conflicting classifications of pathogenicity. Review status: criteria provided, conflicting classifications (1 of 4 stars). 3 submissions from 3 submitters: Uncertain significance (2); Likely benign (1). Last evaluated 2024-11-12.

Conditions:
CODAS syndrome. Also called: CEREBRAL, OCULAR, DENTAL, AURICULAR, AND SKELETAL ANOMALIES SYNDROME. Identifiers: Orphanet 1458, MedGen C1838180, MONDO:0010879, OMIM 600373.

gnomAD v4.1: 26 of 1,613,082 alleles (0.0016%); highest among the groups gnomAD compares: Middle Eastern, 0.25%; no homozygotes.

Submissions (3):

Labcorp Genetics (formerly Invitae), Labcorp
Classification: Uncertain significance. Last evaluated: 2024-11-12. Review status: criteria provided, single submitter. Criteria: Invitae Variant Classification Sherloc (09022015). Collection method: clinical testing. Allele origin: germline.
Comment: This sequence change falls in intron 12 of the LONP1 gene. It does not directly change the encoded amino acid sequence of the LONP1 protein. It affects a nucleotide within the consensus splice site. This variant is present in population databases (no rsID available, gnomAD 0.006%). This variant has not been reported in the literature in individuals affected with LONP1-related conditions. ClinVar contains an entry for this variant (Variation ID: 1368408). Variants that disrupt the consensus splice site are a relatively common cause of aberrant splicing (PMID: 17576681, 9536098). Algorithms developed to predict the effect of sequence changes on RNA splicing suggest that this variant is not likely to affect RNA splicing. In summary, the available evidence is currently insufficient to determine the role of this variant in disease. Therefore, it has been classified as a Variant of Uncertain Significance.

3billion
Classification: Likely benign for CODAS syndrome. Last evaluated: 2024-09-20. Review status: criteria provided, single submitter. Criteria: ACMG Guidelines, 2015. Collection method: clinical testing. Allele origin: germline. Affected: no.
Comment: The homozygous variant was found in patients diagnosed with another variant in a different gene, with no symptoms related to the gene containing the homozygous variant.

Breakthrough Genomics
Classification: Uncertain significance. Review status: criteria provided, single submitter. Criteria: ACMG Guidelines, 2015. Collection method: not provided. Allele origin: germline. Inheritance: Autosomal recessive inheritance. Affected: yes.

Literature cited by the submitters: PubMed 17576681 (cited by Labcorp Genetics (formerly Invitae), Labcorp); PubMed 9536098 (cited by Labcorp Genetics (formerly Invitae), Labcorp).

NM_004793.4(LONP1):c.1896+3G>T

Gene: LONP1 (lon peptidase 1, mitochondrial; minus strand). Cytogenetic location: 19p13.3.
Variant type: single nucleotide variant.
Coding change: c.1896+3G>T on transcript NM_004793.4 (MANE Select); 3 bases into the intron after coding-DNA position 1896, G replaced by T.
Molecular consequence: intron variant.
Genome position (GRCh38, 1-based): chr19:5,696,246, C>A on the plus strand (G>T on the coding strand, the complement: LONP1 is on the minus strand). VCF-style: chr19-5696246-C-A. GRCh37 (hg19) VCF-style: chr19-5696257-C-A.
Other names: c.1308+3G>T (NM_001276480.1); c.1704+3G>T (NM_001276479.2).
Identifiers: ClinVar variation 1368408 (VCV001368408.8), dbSNP rs371793819, ClinGen allele CA304610645.